The following is an entry in ClinVar:

NM_004525.3(LRP2):c.4999C>T (p.Arg1667Ter)

Gene: LRP2 (LDL receptor related protein 2; minus strand). Cytogenetic location: 2q31.1.
Variant type: single nucleotide variant.
Coding change: c.4999C>T on transcript NM_004525.3 (MANE Select); coding-DNA position 4999, C replaced by T.
Protein change: p.Arg1667Ter; replaces arginine 1667 with a stop codon.
Molecular consequence: nonsense.
Genome position (GRCh38, 1-based): chr2:169,233,510, G>A on the plus strand (C>T on the coding strand, the complement: LRP2 is on the minus strand). VCF-style: chr2-169233510-G-A. GRCh37 (hg19) VCF-style: chr2-170090020-G-A.
Other names: short protein forms R1667*.
Identifiers: ClinVar variation 2867331 (VCV002867331.5), dbSNP rs867941074, ClinGen allele CA59910965.

ClinVar aggregate classification (germline): Pathogenic. Review status: criteria provided, multiple submitters, no conflicts (2 of 4 stars). 2 submissions from 2 submitters: Pathogenic (2). Last evaluated 2024-06-05.

Conditions:
Donnai-Barrow syndrome. Also called: DBS/FOAR SYNDROME; FACIOOCULOACOUSTICORENAL SYNDROME. Identifiers: Orphanet 2143, MedGen C1857277, MONDO:0009104, OMIM 222448.

gnomAD v4.1: 2 of 1,613,894 alleles (0.00012%); highest among the groups gnomAD compares: Admixed American, 0.0017%; no homozygotes.

Submissions (3):

Myriad Genetics, Inc.
Classification: Pathogenic for Donnai-Barrow syndrome. Last evaluated: 2024-06-05. Review status: criteria provided, single submitter. Criteria: Myriad Autosomal Dominant, Autosomal Recessive and X-Linked Classification Criteria (2023). Collection method: clinical testing. Allele origin: unknown.
Comment: NM_004525.2(LRP2):c.4999C>T(R1667*) is expected to be pathogenic in the context of Donnai-Barrow syndrome. This variant is predicted to lead to an abnormal or absent protein product due to the creation of a premature termination codon in LRP2, a gene where loss-of-function variants are known to be pathogenic. Please note: this variant was assessed in the context of healthy population screening.

Labcorp Genetics (formerly Invitae), Labcorp
Classification: Pathogenic. Last evaluated: 2022-12-03. Review status: criteria provided, single submitter. Criteria: Invitae Variant Classification Sherloc (09022015). Collection method: clinical testing. Allele origin: germline.
Comment: For these reasons, this variant has been classified as Pathogenic. This variant has not been reported in the literature in individuals affected with LRP2-related conditions. This variant is not present in population databases (gnomAD no frequency). This sequence change creates a premature translational stop signal (p.Arg1667*) in the LRP2 gene. It is expected to result in an absent or disrupted protein product. Loss-of-function variants in LRP2 are known to be pathogenic (PMID: 17632512, 25682901).

Dr. Peter K. Rogan Lab, Western University
No classification provided (evidence only). Condition: Malignant tumor of urinary bladder. Review status: no classification provided. Collection method: in vitro. Allele origin: not applicable. Functional consequence: retained intron. Not counted in ClinVar's aggregate classification.

Literature cited by the submitters: PubMed 17632512 (cited by Labcorp Genetics (formerly Invitae), Labcorp); PubMed 25682901 (cited by Labcorp Genetics (formerly Invitae), Labcorp).